The following is an entry in ClinVar:

ClinVar aggregate classification (germline): Uncertain significance. Review status: criteria provided, multiple submitters, no conflicts (2 of 4 stars). 3 submissions from 3 submitters: Uncertain significance (3). Last evaluated 2025-02-25.

Conditions:
Inborn genetic diseases. Identifiers: MedGen C0950123, MeSH D030342.

Allele frequency attached by ClinVar (database versions not stated): ExAC 0.00001; gnomAD exomes 0.00001; gnomAD 0.00004; TOPMed 0.00005.

Submissions (3):

GeneDx
Classification: Uncertain significance. Last evaluated: 2025-02-25. Review status: criteria provided, single submitter. Criteria: GeneDx Variant Classification Process June 2021. Collection method: clinical testing. Allele origin: germline. Affected: yes.
Comment: Not observed at significant frequency in large population cohorts (gnomAD); In silico analysis indicates that this missense variant does not alter protein structure/function; Has not been previously published as pathogenic or benign to our knowledge; This variant is associated with the following publications: (PMID: 28545555)

Ambry Genetics
Classification: Uncertain significance for Inborn genetic diseases. Last evaluated: 2024-12-12. Review status: criteria provided, single submitter. Criteria: Ambry Variant Classification Scheme 2023. Collection method: clinical testing. Allele origin: germline.
Comment: The p.R285Q variant (also known as c.854G>A), located in coding exon 1 of the SAMD9 gene, results from a G to A substitution at nucleotide position 854. The arginine at codon 285 is replaced by glutamine, an amino acid with highly similar properties. This amino acid position is conserved. In addition, this alteration is predicted to be tolerated by in silico analysis. Based on the available evidence, the clinical significance of this variant remains unclear.

Labcorp Genetics (formerly Invitae), Labcorp
Classification: Uncertain significance. Last evaluated: 2023-12-26. Review status: criteria provided, single submitter. Criteria: Invitae Variant Classification Sherloc (09022015). Collection method: clinical testing. Allele origin: germline.
Comment: This sequence change replaces arginine, which is basic and polar, with glutamine, which is neutral and polar, at codon 285 of the SAMD9 protein (p.Arg285Gln). This variant is present in population databases (rs749702071, gnomAD 0.01%). This variant has not been reported in the literature in individuals affected with SAMD9-related conditions. ClinVar contains an entry for this variant (Variation ID: 1497782). Advanced modeling of protein sequence and biophysical properties (such as structural, functional, and spatial information, amino acid conservation, physicochemical variation, residue mobility, and thermodynamic stability) has been performed at Invitae for this missense variant, however the output from this modeling did not meet the statistical confidence thresholds required to predict the impact of this variant on SAMD9 protein function. In summary, the available evidence is currently insufficient to determine the role of this variant in disease. Therefore, it has been classified as a Variant of Uncertain Significance.

NM_017654.4(SAMD9):c.854G>A (p.Arg285Gln)

Gene: SAMD9 (sterile alpha motif domain containing 9; minus strand). Cytogenetic location: 7q21.2.
Variant type: single nucleotide variant.
Coding change: c.854G>A on transcript NM_017654.4 (MANE Select); coding-DNA position 854, G replaced by A.
Protein change: p.Arg285Gln; replaces arginine 285 with glutamine.
Molecular consequence: missense variant.
Genome position (GRCh38, 1-based): chr7:93,105,244, C>T on the plus strand (G>A on the coding strand, the complement: SAMD9 is on the minus strand). VCF-style: chr7-93105244-C-T. GRCh37 (hg19) VCF-style: chr7-92734557-C-T.
Other names: c.854G>A, p.Arg285Gln (NM_001193307.2); c.854G>A (NM_017654.3); short protein forms R285Q.
Identifiers: ClinVar variation 1497782 (VCV001497782.8), dbSNP rs749702071, ClinGen allele CA4343071.